The following is an entry in ClinVar:

ClinVar aggregate classification (germline): Uncertain significance (1 of 4 stars; one submission).

Conditions:
Joubert syndrome. Also called: CEREBELLOPARENCHYMAL DISORDER IV; JOUBERT-BOLTSHAUSER SYNDROME; Familial aplasia of the vermis. Identifiers: Orphanet 475, MedGen C5979921, MONDO:0018772.
Meckel-Gruber syndrome. Also called: DYSENCEPHALIA SPLANCHNOCYSTICA; GRUBER SYNDROME; Dysencephalia splachnocystica. Identifiers: Orphanet 564, MedGen C0265215, MONDO:0018921.

Submission:

Labcorp Genetics (formerly Invitae), Labcorp
Classification: Uncertain significance for Joubert syndrome; Meckel-Gruber syndrome. Last evaluated: 2025-05-27. Review status: criteria provided, single submitter. Criteria: Invitae Variant Classification Sherloc (09022015). Collection method: clinical testing. Allele origin: germline.
Comment: This sequence change replaces cysteine, which is neutral and slightly polar, with phenylalanine, which is neutral and non-polar, at codon 256 of the TCTN1 protein (p.Cys256Phe). This variant is not present in population databases (gnomAD no frequency). This variant has not been reported in the literature in individuals affected with TCTN1-related conditions. ClinVar contains an entry for this variant (Variation ID: 2075627). Invitae Evidence Modeling of protein sequence and biophysical properties (such as structural, functional, and spatial information, amino acid conservation, physicochemical variation, residue mobility, and thermodynamic stability) indicates that this missense variant is expected to disrupt TCTN1 protein function with a positive predictive value of 80%. In summary, the available evidence is currently insufficient to determine the role of this variant in disease. Therefore, it has been classified as a Variant of Uncertain Significance.

NM_001082538.3(TCTN1):c.767G>T (p.Cys256Phe)

Gene: TCTN1 (tectonic family member 1; plus strand). Cytogenetic location: 12q24.11.
Variant type: single nucleotide variant.
Coding change: c.767G>T on transcript NM_001082538.3 (MANE Select); coding-DNA position 767, G replaced by T.
Protein change: p.Cys256Phe; replaces cysteine 256 with phenylalanine.
Molecular consequence: missense variant. On other transcripts: non-coding transcript variant (1), intron variant (1).
Genome position (GRCh38, 1-based): chr12:110,634,724, G>T. VCF-style: chr12-110634724-G-T. GRCh37 (hg19) VCF-style: chr12-111072529-G-T.
Other names: c.767G>T, p.Cys256Phe (NM_001082537.3, NM_001319680.2); c.599G>T, p.Cys200Phe (NM_001173975.3); c.587G>T, p.Cys196Phe (NM_001173976.2); c.233G>T, p.Cys78Phe (NM_001319681.2); c.780+261G>T (NM_024549.6); short protein forms C196F, C200F, C78F, C256F.
Identifiers: ClinVar variation 2075627 (VCV002075627.4), dbSNP rs2548876312, ClinGen allele CA386703839.
Genomic context (GRCh38, chr12:110,634,724, plus strand): 5'-TTCTAGCGTTTCTGGTGAACCAGGCTGTTAAGTGCACCAGAAAAATAAATTTAGAACAGT[G>T]TGAAGAAATTGAAGCCCTCAGCATGGCTTTTTACAGCAGCCCGGAAATTCTGAGGGTAAG-3'
Protein context (NP_001076007.1, residues 246-266): KCTRKINLEQ[Cys256Phe]EEIEALSMAF